The following is an entry in ClinVar:

ClinVar aggregate classification (germline): Uncertain significance. Review status: criteria provided, multiple submitters, no conflicts (2 of 4 stars). 2 submissions from 2 submitters: Uncertain significance (2). Last evaluated 2025-08-26.

Conditions:
Microcephaly and chorioretinopathy 1. Also called: Microcephaly and chorioretinopathy, autosomal recessive, 1. Identifiers: MedGen C3278481, MONDO:0009624, OMIM 251270.

Allele frequency attached by ClinVar (database versions not stated): ExAC below 0.00001; gnomAD exomes below 0.00001; TOPMed below 0.00001.
gnomAD v4.1: 6 of 1,576,220 alleles (0.00038%); highest among the groups gnomAD compares: Middle Eastern, 0.017%; no homozygotes.

Submissions (2):

Labcorp Genetics (formerly Invitae), Labcorp
Classification: Uncertain significance. Last evaluated: 2025-08-26. Review status: criteria provided, single submitter. Criteria: Invitae Variant Classification Sherloc (09022015). Collection method: clinical testing. Allele origin: germline.
Comment: This sequence change replaces lysine, which is basic and polar, with arginine, which is basic and polar, at codon 464 of the TUBGCP6 protein (p.Lys464Arg). This variant is not present in population databases (gnomAD no frequency). This variant has not been reported in the literature in individuals affected with TUBGCP6-related conditions. ClinVar contains an entry for this variant (Variation ID: 1028167). An algorithm developed to predict the effect of missense changes on protein structure and function outputs the following: PolyPhen-2: "Benign". The arginine amino acid residue is found in multiple mammalian species, which suggests that this missense change does not adversely affect protein function. Algorithms developed to predict the effect of sequence changes on RNA splicing suggest that this variant may create or strengthen a splice site. In summary, the available evidence is currently insufficient to determine the role of this variant in disease. Therefore, it has been classified as a Variant of Uncertain Significance.

Baylor Genetics
Classification: Uncertain significance for Microcephaly and chorioretinopathy 1. Last evaluated: 2020-01-10. Review status: criteria provided, single submitter. Criteria: ACMG Guidelines, 2015. Collection method: clinical testing. Allele origin: unknown. Affected: yes.
Comment: This variant was determined to be of uncertain significance according to ACMG Guidelines, 2015 [PMID:25741868].

NM_020461.4(TUBGCP6):c.1391A>G (p.Lys464Arg)

Gene: TUBGCP6 (tubulin gamma complex component 6; minus strand). Cytogenetic location: 22q13.33.
Variant type: single nucleotide variant.
Coding change: c.1391A>G on transcript NM_020461.4 (MANE Select); coding-DNA position 1391, A replaced by G.
Protein change: p.Lys464Arg; replaces lysine 464 with arginine.
Molecular consequence: missense variant.
Genome position (GRCh38, 1-based): chr22:50,227,928, T>C on the plus strand (A>G on the coding strand, the complement: TUBGCP6 is on the minus strand). VCF-style: chr22-50227928-T-C. GRCh37 (hg19) VCF-style: chr22-50666357-T-C.
Other names: short protein forms K464R.
Identifiers: ClinVar variation 1028167 (VCV001028167.8), dbSNP rs774132550, ClinGen allele CA10308718.